The following is an entry in ClinVar:

ClinVar aggregate classification (germline): Likely pathogenic (1 of 4 stars; one submission).

Conditions:
Ritscher-Schinzel syndrome 3. Identifiers: MedGen C5436883, MONDO:0030864, OMIM 619135.

Submission:

Laboratory of Medical Genetics, University of Torino
Classification: Likely pathogenic for Ritscher-Schinzel syndrome 3. Last evaluated: 2026-01-07. Review status: criteria provided, single submitter. Criteria: ACMG Guidelines, 2015. Collection method: research. Allele origin: inherited. Affected: yes.
Comment: The variant NM_020314.7:c.881T>C(p.(Phe294Ser)) variant is a missense charge in the VPS35L gene, resulting in the substitiution of a highly conserved phenylalanine residue with serine at position 294. This residue shows strong evolutionary conservation across species (phyloP score 7.63), and the amino acid substitution represents a non-conservative change (Grantham distance 155; BLOSUM62 score -2). This phenotype is consistent with previously reported features associated with biallelic VPS35L variants, supporting a gene-disease correlation (PP4). The variant is absent from population databases, including gnomAD v4.1 (PM2_supporting). Multiple in silico prediction tools support a deleterious effect of the variant on protein function (AlphaMissense score 0.97; CADD score 26; MetaRNN socre 0.83) (PP3). Strucutral modeling localizated Phe294 to a region proximal to the interaction interface of VPS35L with VPS26C and SNX17 within the Retriever complex. Substitution with serine is predicted to disrupt local hydrophobic packing, adn FoldX stability analysis demonstrated a markedly destabilizing effect (mean ΔΔG~ +4.9kcal/mol), supporting a damaging impact on protein stability. The varaint affects the last nucleotide of exon 9; however, splicing prediction analyses (SpliceAI and AlphaGenome) did not indicate significant disruption of canonical splice donor site function, supporting a predominant missense mechanism. In summary, this variant meets the following ACMG/AMP criteria: PM2_supporting, PM3, PP3, and PP4. Based on the ACMG/AMP guidelines, the NM_020314.7:c.881T>C (p.(Phe294Ser)) variant is classified as Likely Pathogenic.

NM_020314.7(VPS35L):c.881T>C (p.Phe294Ser)

Gene: VPS35L (VPS35 endosomal protein sorting factor like; plus strand). Cytogenetic location: 16p12.3.
Variant type: single nucleotide variant.
Coding change: c.881T>C on transcript NM_020314.7 (MANE Select); coding-DNA position 881, T replaced by C.
Protein change: p.Phe294Ser; replaces phenylalanine 294 with serine.
Molecular consequence: missense variant. On other transcripts: 5 prime UTR variant (1), non-coding transcript variant (2).
Genome position (GRCh38, 1-based): chr16:19,608,274, T>C. VCF-style: chr16-19608274-T-C. GRCh37 (hg19) VCF-style: chr16-19619596-T-C.
Other names: c.881T>C, p.Phe294Ser (NM_001300743.3, NM_001365293.2, NM_001365294.2); c.-79T>C (NM_001365295.2); short protein forms F294S.
Identifiers: ClinVar variation 4685472 (VCV004685472.1).